The following is an entry in ClinVar:

NM_001367624.2(ZNF469):c.2780G>A (p.Arg927His)

Gene: ZNF469 (zinc finger protein 469; plus strand). Cytogenetic location: 16q24.2.
Variant type: single nucleotide variant.
Coding change: c.2780G>A on transcript NM_001367624.2 (MANE Select); coding-DNA position 2780, G replaced by A.
Protein change: p.Arg927His; replaces arginine 927 with histidine.
Molecular consequence: missense variant.
Genome position (GRCh38, 1-based): chr16:88,430,250, G>A. VCF-style: chr16-88430250-G-A. GRCh37 (hg19) VCF-style: chr16-88496658-G-A.
Other names: NM_001127464.1:c.2780G>A; short protein forms R927H.
Identifiers: ClinVar variation 3258231 (VCV003258231.1).

ClinVar aggregate classification (germline): Uncertain significance (1 of 4 stars; one submission).

Conditions:
Cardiovascular phenotype. Identifiers: MedGen CN230736.

gnomAD v4.1: 13 of 1,526,090 alleles (0.00085%); highest among the groups gnomAD compares: East Asian, 0.0049%; no homozygotes.

Submission:

Ambry Genetics
Classification: Uncertain significance for Cardiovascular phenotype. Last evaluated: 2024-04-07. Review status: criteria provided, single submitter. Criteria: Ambry Variant Classification Scheme 2023. Collection method: clinical testing. Allele origin: germline.
Comment: The p.R927H variant (also known as c.2780G>A), located in coding exon 1 of the ZNF469 gene, results from a G to A substitution at nucleotide position 2780. The arginine at codon 927 is replaced by histidine, an amino acid with highly similar properties. This amino acid position is conserved. In addition, this alteration is predicted to be tolerated by in silico analysis. Based on the available evidence, the clinical significance of this variant remains unclear.